The following is an entry in ClinVar:

NM_003412.4(ZIC1):c.436C>T (p.Leu146Phe)

Gene: ZIC1 (Zic family zinc finger 1; plus strand). Cytogenetic location: 3q24.
Variant type: single nucleotide variant.
Coding change: c.436C>T on transcript NM_003412.4 (MANE Select); coding-DNA position 436, C replaced by T.
Protein change: p.Leu146Phe; replaces leucine 146 with phenylalanine.
Molecular consequence: missense variant.
Genome position (GRCh38, 1-based): chr3:147,410,548, C>T. VCF-style: chr3-147410548-C-T. GRCh37 (hg19) VCF-style: chr3-147128335-C-T.
Other names: c.436C>T (NM_003412.3); short protein forms L146F.
Identifiers: ClinVar variation 1495702 (VCV001495702.9), dbSNP rs2107992957, ClinGen allele CA354896686.
Genomic context (GRCh38, chr3:147,410,548, plus strand): 5'-GGGGGCTTCGGGGGCCCACACGGCCACACGGACGCCGCGGGCCACCTCCTCTTCCCCGGG[C>T]TTCACGAGCAGGCTGCCGGCCACGCGTCGCCTAACGTGGTCAACGGGCAGATGAGGCTCG-3'
Protein context (NP_003403.2, residues 136-156): DAAGHLLFPG[Leu146Phe]HEQAAGHASP

ClinVar aggregate classification (germline): Uncertain significance. Review status: criteria provided, multiple submitters, no conflicts (2 of 4 stars). 2 submissions from 2 submitters: Uncertain significance (2). Last evaluated 2024-11-28.

Conditions:
Inborn genetic diseases. Identifiers: MedGen C0950123, MeSH D030342.

Allele frequency attached by ClinVar (database versions not stated): gnomAD exomes 0.00001.
gnomAD v4.1: 7 of 1,611,004 alleles (0.00043%); highest among the groups gnomAD compares: South Asian, 0.0011%; no homozygotes.

Submissions (2):

Ambry Genetics
Classification: Uncertain significance for Inborn genetic diseases. Last evaluated: 2024-11-28. Review status: criteria provided, single submitter. Criteria: Ambry Variant Classification Scheme 2023. Collection method: clinical testing. Allele origin: germline.

Labcorp Genetics (formerly Invitae), Labcorp
Classification: Uncertain significance. Last evaluated: 2023-04-14. Review status: criteria provided, single submitter. Criteria: Invitae Variant Classification Sherloc (09022015). Collection method: clinical testing. Allele origin: germline.
Comment: Advanced modeling of protein sequence and biophysical properties (such as structural, functional, and spatial information, amino acid conservation, physicochemical variation, residue mobility, and thermodynamic stability) performed at Invitae indicates that this missense variant is not expected to disrupt ZIC1 protein function. In summary, the available evidence is currently insufficient to determine the role of this variant in disease. Therefore, it has been classified as a Variant of Uncertain Significance. ClinVar contains an entry for this variant (Variation ID: 1495702). This variant has not been reported in the literature in individuals affected with ZIC1-related conditions. This variant is not present in population databases (gnomAD no frequency). This sequence change replaces leucine, which is neutral and non-polar, with phenylalanine, which is neutral and non-polar, at codon 146 of the ZIC1 protein (p.Leu146Phe).